The following is an entry in ClinVar:

ClinVar aggregate classification (germline): Benign/Likely benign. Review status: criteria provided, multiple submitters, no conflicts (2 of 4 stars). 4 submissions from 4 submitters: Benign (2); Likely benign (2). Last evaluated 2025-12-22.

Allele frequency attached by ClinVar (database versions not stated): 1000 Genomes Project 0.00120; 1000 Genomes Project 30x 0.00156; ExAC 0.00174; gnomAD 0.00198 and 0.00199; gnomAD exomes 0.00205 and 0.00278; TOPMed 0.00218; ESP Exome Variant Server 0.00269.
gnomAD v4.1: 4,345 of 1,608,050 alleles (0.27%); highest among the groups gnomAD compares: Non-Finnish European, 0.32%; 6 homozygotes.

Submissions (4):

Labcorp Genetics (formerly Invitae), Labcorp
Classification: Benign. Last evaluated: 2025-12-22. Review status: criteria provided, single submitter. Criteria: Invitae Variant Classification Sherloc (09022015). Collection method: clinical testing. Allele origin: germline.

CeGaT Center for Human Genetics Tuebingen
Classification: Likely benign. Last evaluated: 2024-12-01. Review status: criteria provided, single submitter. Criteria: CeGaT Center For Human Genetics Tuebingen Variant Classification Criteria Version 2. Collection method: clinical testing. Allele origin: germline. Affected: yes. Observed: 3 variant alleles.
Comment: TMTC3: BP4, BP7

Blueprint Genetics
Classification: Likely benign. Last evaluated: 2024-11-12. Review status: criteria provided, single submitter. Criteria: ACMG Guidelines, 2015. Collection method: clinical testing. Allele origin: germline.

Breakthrough Genomics
Classification: Benign. Review status: criteria provided, single submitter. Criteria: ACMG Guidelines, 2015. Collection method: not provided. Allele origin: germline. Inheritance: Autosomal recessive inheritance. Affected: yes.

NM_181783.4(TMTC3):c.477T>C (p.Tyr159=)

Gene: TMTC3 (transmembrane O-mannosyltransferase targeting cadherins 3; plus strand). Cytogenetic location: 12q21.32.
Variant type: single nucleotide variant.
Coding change: c.477T>C on transcript NM_181783.4 (MANE Select); coding-DNA position 477, T replaced by C.
Protein change: p.Tyr159=; no amino-acid change (tyrosine 159 retained).
Molecular consequence: synonymous variant. On other transcripts: 5 prime UTR variant (1), non-coding transcript variant (1).
Genome position (GRCh38, 1-based): chr12:88,154,356, T>C. VCF-style: chr12-88154356-T-C. GRCh37 (hg19) VCF-style: chr12-88548133-T-C.
Other names: c.297T>C, p.Tyr99= (NM_001366574.1); c.258T>C, p.Tyr86= (NM_001366579.1); c.210T>C, p.Tyr70= (NM_001366580.1); c.-217T>C (NM_001366583.1).
Identifiers: ClinVar variation 715771 (VCV000715771.42), dbSNP rs117274752, ClinGen allele CA6713051.